The following is an entry in ClinVar:

NM_000465.4(BARD1):c.490C>G (p.Gln164Glu)

Gene: BARD1 (BRCA1 associated RING domain 1; minus strand). Cytogenetic location: 2q35.
Variant type: single nucleotide variant.
Coding change: c.490C>G on transcript NM_000465.4 (MANE Select); coding-DNA position 490, C replaced by G.
Protein change: p.Gln164Glu; replaces glutamine 164 with glutamic acid.
Molecular consequence: missense variant. On other transcripts: non-coding transcript variant (2), intron variant (3).
Genome position (GRCh38, 1-based): chr2:214,781,384, G>C on the plus strand (C>G on the coding strand, the complement: BARD1 is on the minus strand). VCF-style: chr2-214781384-G-C. GRCh37 (hg19) VCF-style: chr2-215646108-G-C.
Other names: c.433C>G, p.Gln145Glu (NM_001282543.2); c.158+28028C>G (NM_001282548.2); c.215+15677C>G (NM_001282545.2); c.364+10913C>G (NM_001282549.2); short protein forms Q164E, Q145E.
Identifiers: ClinVar variation 231498 (VCV000231498.30), dbSNP rs750350372, ClinGen allele CA2090421.

ClinVar aggregate classification (germline): Uncertain significance. Review status: criteria provided, multiple submitters, no conflicts (2 of 4 stars). 8 submissions from 8 submitters: Uncertain significance (7). 1 of the submissions does not count toward it. Last evaluated 2025-11-17.

Conditions:
Familial cancer of breast. Also called: BREAST CANCER, FAMILIAL; hereditary breast carcinoma; Hereditary breast cancer. Identifiers: Orphanet 227535, MedGen C0346153, MONDO:0016419, OMIM 114480. Disease mechanism: loss of function.
Hereditary cancer-predisposing syndrome. Also called: Neoplastic Syndromes, Hereditary; Tumor predisposition; Hereditary Cancer Syndrome; Hereditary neoplastic syndrome. Identifiers: Orphanet 140162, MedGen C0027672, MeSH D009386, MONDO:0015356.
BARD1-related cancer predisposition. Identifiers: MedGen CN377756, MONDO:0700267.

Allele frequency attached by ClinVar (database versions not stated): TOPMed below 0.00001; gnomAD 0.00001; gnomAD exomes 0.00001 and 0.00002; ExAC 0.00002.
gnomAD v4.1: 9 of 1,613,512 alleles (0.00056%); highest among the groups gnomAD compares: Non-Finnish European, 0.00076%; no homozygotes.

Submissions (8):

Labcorp Genetics (formerly Invitae), Labcorp
Classification: Uncertain significance for Familial cancer of breast. Last evaluated: 2025-11-17. Review status: criteria provided, single submitter. Criteria: Invitae Variant Classification Sherloc (09022015). Collection method: clinical testing. Allele origin: germline.
Comment: This sequence change replaces glutamine, which is neutral and polar, with glutamic acid, which is acidic and polar, at codon 164 of the BARD1 protein (p.Gln164Glu). This variant is present in population databases (rs750350372, gnomAD 0.004%). This missense change has been observed in individual(s) with breast cancer (PMID: 35264596). ClinVar contains an entry for this variant (Variation ID: 231498). An algorithm developed to predict the effect of missense changes on protein structure and function (PolyPhen-2) suggests that this variant is likely to be tolerated. In summary, the available evidence is currently insufficient to determine the role of this variant in disease. Therefore, it has been classified as a Variant of Uncertain Significance.

Color Diagnostics, LLC DBA Color Health
Classification: Uncertain significance for Hereditary cancer-predisposing syndrome. Last evaluated: 2025-07-21. Review status: criteria provided, single submitter. Criteria: ACMG Guidelines, 2015. Collection method: clinical testing. Allele origin: germline.
Comment: This missense variant replaces glutamine with glutamic acid at codon 164 of the BARD1 protein. Computational prediction suggests that this variant may not impact protein structure and function. To our knowledge, functional studies have not been reported for this variant. This variant has been reported in individuals affected with beast cancer (PMID: 35264596) as well as in an unaffected individual in a ovarian cancer case-control study (PMID: 26315354). This variant has been identified in 5/282322 chromosomes in the general population by the Genome Aggregation Database (gnomAD). The available evidence is insufficient to determine the role of this variant in disease conclusively. Therefore, this variant is classified as a Variant of Uncertain Significance.

Molecular Pathology, Peter Maccallum Cancer Centre
Classification: Uncertain significance for BARD1-related cancer predisposition. Last evaluated: 2025-04-09. Review status: criteria provided, single submitter. Criteria: ACMG Guidelines, 2015. Collection method: clinical testing. Allele origin: germline. Inheritance: Autosomal dominant inheritance.

Ambry Genetics
Classification: Uncertain significance for Hereditary cancer-predisposing syndrome. Last evaluated: 2024-10-25. Review status: criteria provided, single submitter. Criteria: Ambry Variant Classification Scheme 2023. Collection method: clinical testing. Allele origin: germline.
Comment: The p.Q164E variant (also known as c.490C>G), located in coding exon 4 of the BARD1 gene, results from a C to G substitution at nucleotide position 490. The glutamine at codon 164 is replaced by glutamic acid, an amino acid with highly similar properties. In one study, this alteration was observed in 0/3236 cases with invasive epithelial ovarian cancer and 1/3431 controls (Ramus SJ et al. J. Natl. Cancer Inst. 2015 Nov;107). This alteration was also detected in a cohort of 1663 Brazilian breast cancer patients who underwent hereditary multigene panel testing (Guindalini RSC et al. Sci Rep, 2022 Mar;12:4190). This amino acid position is well conserved in available vertebrate species. In addition, this alteration is predicted to be tolerated by in silico analysis. Since supporting evidence is limited at this time, the clinical significance of this alteration remains unclear.

GeneDx
Classification: Uncertain significance. Last evaluated: 2023-12-15. Review status: criteria provided, single submitter. Criteria: GeneDx Variant Classification Process June 2021. Collection method: clinical testing. Allele origin: germline. Affected: yes.
Comment: Not observed at significant frequency in large population cohorts (gnomAD); In silico analysis supports that this missense variant does not alter protein structure/function; This variant is associated with the following publications: (PMID: 26315354, 35264596)

Institute for Clinical Genetics, University Hospital TU Dresden, University Hospital TU Dresden
Classification: Uncertain significance. Last evaluated: 2021-11-03. Review status: criteria provided, single submitter. Criteria: ACMG Guidelines, 2015. Collection method: clinical testing. Allele origin: germline.

Mendelics
Classification: Uncertain significance for Familial cancer of breast. Last evaluated: 2018-07-02. Review status: criteria provided, single submitter. Criteria: Mendelics Assertion Criteria 2017. Collection method: clinical testing. Allele origin: unknown.

Zotz-Klimas Genetics Lab, MVZ Zotz Klimas
Classification: Uncertain significance for Familial cancer of breast. Last evaluated: 2023-11-24. Review status: no assertion criteria provided. Collection method: clinical testing. Allele origin: germline. Affected: yes. Not counted in ClinVar's aggregate classification.

Literature cited by the submitters: PubMed 35264596 (cited by 3 submitters); PubMed 26315354 (cited by Color Diagnostics, LLC DBA Color Health and Ambry Genetics).